The following is an entry in ClinVar:

NM_001378454.1(ALMS1):c.11166_11167del (p.Ser3722fs)

Gene: ALMS1 (ALMS1 centrosome and basal body associated protein; plus strand). Cytogenetic location: 2p13.1.
Variant type: Deletion.
Coding change: c.11166_11167del on transcript NM_001378454.1 (MANE Select); coding-DNA positions 11166 to 11167, 2 bases deleted (TA; older notation c.11166_11167delTA).
Protein change: p.Ser3722fs; shifts the reading frame from serine 3722.
Molecular consequence: frameshift variant.
Genome position (GRCh38, 1-based): chr2:73,573,043-73,573,044, TA deleted. VCF-style (leftmost placement, unchanged base first): chr2-73573042-GTA-G. GRCh37 (hg19) VCF-style: chr2-73800169-GTA-G.
Other names: c.11169_11170del, p.Ser3723fs (NM_015120.4); short protein forms S3722fs, S3723fs.
Identifiers: ClinVar variation 963335 (VCV000963335.7), dbSNP rs1674975219, ClinGen allele CA1139657125.

ClinVar aggregate classification (germline): Pathogenic (1 of 4 stars; one submission).

Conditions:
Alstrom syndrome (ALMS). Identifiers: Orphanet 64, MedGen C0268425, MONDO:0008763, OMIM 203800.

Submission:

Labcorp Genetics (formerly Invitae), Labcorp
Classification: Pathogenic for Alstrom syndrome. Last evaluated: 2022-07-19. Review status: criteria provided, single submitter. Criteria: Invitae Variant Classification Sherloc (09022015). Collection method: clinical testing. Allele origin: germline.
Comment: This sequence change creates a premature translational stop signal (p.Ser3723Argfs*6) in the ALMS1 gene. It is expected to result in an absent or disrupted protein product. Loss-of-function variants in ALMS1 are known to be pathogenic (PMID: 17594715). This variant is not present in population databases (gnomAD no frequency). This variant has not been reported in the literature in individuals affected with ALMS1-related conditions. ClinVar contains an entry for this variant (Variation ID: 963335). For these reasons, this variant has been classified as Pathogenic.

Literature cited by the submitters: PubMed 17594715.